The following is an entry in ClinVar:

ClinVar aggregate classification (germline): Pathogenic. Review status: criteria provided, single submitter (1 of 4 stars). 2 submissions from 2 submitters: Pathogenic (1). 1 of the submissions does not count toward it. Last evaluated 2025-05-20.

Conditions:
Dominant beta-thalassemia. Also called: Beta-thalassemia, dominant inclusion body type. Identifiers: Orphanet 231226, Orphanet 848, MedGen C1858990, MONDO:0011381, OMIM 603902.
HEMOGLOBIN MADRID.

Submissions (2):

Women's Health and Genetics/Laboratory Corporation of America, LabCorp
Classification: Pathogenic for Dominant beta-thalassemia. Last evaluated: 2025-05-20. Review status: criteria provided, single submitter. Criteria: LabCorp Variant Classification Summary - May 2015. Collection method: clinical testing. Allele origin: germline.
Comment: Variant summary: HBB c.346G>C (p.Ala116Pro) results in a non-conservative amino acid change in the encoded protein sequence. Algorithms developed to predict the effect of missense changes on protein structure and function all suggest that this variant is likely to be disruptive. The variant was absent in 251222 control chromosomes. c.346G>C has been observed in the heterozygous state in multiple individual affected with Beta Thalassemia and segregated with disease in at least one family, consistent with autosomal dominant inheritance (Kim_2005, Mochanova_1993, Outierino_1974). These data indicate that the variant is likely to be associated with disease. A different variant affecting the same codon has been classified as pathogenic by our lab (c.347C>A (p.Ala116Asp)), supporting the critical relevance of codon 116 to HBB protein function. This variant is also known as Hb Madrid. The following publications have been ascertained in the context of this evaluation (PMID: 15741802, 8330978, 4212046). ClinVar contains an entry for this variant (Variation ID: 15257). Based on the evidence outlined above, the variant was classified as pathogenic.

OMIM
Classification: other for HEMOGLOBIN MADRID. Last evaluated: 2017-12-12. Review status: no assertion criteria provided. Collection method: literature only. Allele origin: germline. Not counted in ClinVar's aggregate classification.

Literature cited by the submitters: PubMed 8330978 (cited by Women's Health and Genetics/Laboratory Corporation of America, LabCorp); PubMed 4212046 (cited by Women's Health and Genetics/Laboratory Corporation of America, LabCorp and OMIM); PubMed 15741802 (cited by Women's Health and Genetics/Laboratory Corporation of America, LabCorp); PubMed 8330977 (cited by OMIM); PubMed 10870884 (cited by OMIM).

NM_000518.5(HBB):c.346G>C (p.Ala116Pro)

Genes: HBB (hemoglobin subunit beta; minus strand), LOC107133510 (origin of replication at HBB; plus strand), LOC110006319 (beta-globin gene 3' regulatory region; plus strand). Cytogenetic location: 11p15.4.
Variant type: single nucleotide variant.
Coding change: c.346G>C on transcript NM_000518.5 (MANE Select); coding-DNA position 346, G replaced by C.
Protein change: p.Ala116Pro; replaces alanine 116 with proline.
Molecular consequence: missense variant.
Genome position (GRCh38, 1-based): chr11:5,225,696, C>G on the plus strand (G>C on the coding strand, the complement: HBB is on the minus strand). VCF-style: chr11-5225696-C-G. GRCh37 (hg19) VCF-style: chr11-5246926-C-G.
Other names: A115P; short protein forms A116P.
Identifiers: ClinVar variation 15257 (VCV000015257.3), dbSNP rs34945623, ClinGen allele CA125013.